The following is an entry in ClinVar:

NM_005726.6(TSFM):c.551A>T (p.Asp184Val)

Gene: TSFM (Ts translation elongation factor, mitochondrial; plus strand). Cytogenetic location: 12q14.1.
Variant type: single nucleotide variant.
Coding change: c.551A>T on transcript NM_005726.6 (MANE Select); coding-DNA position 551, A replaced by T.
Protein change: p.Asp184Val; replaces aspartic acid 184 with valine.
Molecular consequence: missense variant. On other transcripts: intron variant (1).
Genome position (GRCh38, 1-based): chr12:57,793,053, A>T. VCF-style: chr12-57793053-A-T. GRCh37 (hg19) VCF-style: chr12-58186836-A-T.
Other names: c.614A>T, p.Asp205Val (NM_001172696.2); c.551A>T, p.Asp184Val (NM_001172697.2); c.484-3124A>T (NM_001172695.2); short protein forms D184V, D205V.
Identifiers: ClinVar variation 1938977 (VCV001938977.2), dbSNP rs2540959757, ClinGen allele CA385529226.

ClinVar aggregate classification (germline): Uncertain significance (1 of 4 stars; one submission).

Submission:

Labcorp Genetics (formerly Invitae), Labcorp
Classification: Uncertain significance. Last evaluated: 2022-04-23. Review status: criteria provided, single submitter. Criteria: Invitae Variant Classification Sherloc (09022015). Collection method: clinical testing. Allele origin: germline.
Comment: This sequence change replaces aspartic acid, which is acidic and polar, with valine, which is neutral and non-polar, at codon 205 of the TSFM protein (p.Asp205Val). This variant is not present in population databases (gnomAD no frequency). This variant has not been reported in the literature in individuals affected with TSFM-related conditions. Algorithms developed to predict the effect of missense changes on protein structure and function (SIFT, PolyPhen-2, Align-GVGD) all suggest that this variant is likely to be disruptive. Algorithms developed to predict the effect of sequence changes on RNA splicing suggest that this variant may disrupt the consensus splice site. In summary, the available evidence is currently insufficient to determine the role of this variant in disease. Therefore, it has been classified as a Variant of Uncertain Significance.